The following is an entry in ClinVar:

NM_138387.4(G6PC3):c.53A>T (p.Gln18Leu)

Gene: G6PC3 (glucose-6-phosphatase catalytic subunit 3; plus strand). Cytogenetic location: 17q21.31.
Variant type: single nucleotide variant.
Coding change: c.53A>T on transcript NM_138387.4 (MANE Select); coding-DNA position 53, A replaced by T.
Protein change: p.Gln18Leu; replaces glutamine 18 with leucine.
Molecular consequence: missense variant. On other transcripts: 5 prime UTR variant (3), intron variant (1).
Genome position (GRCh38, 1-based): chr17:44,071,018, A>T. VCF-style: chr17-44071018-A-T. GRCh37 (hg19) VCF-style: chr17-42148386-A-T.
Other names: c.53A>T, p.Gln18Leu (NM_001319945.2); c.-352A>T (NM_001384165.1); c.-487A>T (NM_001384166.1); c.-477A>T (NM_001384167.1); c.-312+304A>T (NM_001384168.1); short protein forms Q18L.
Identifiers: ClinVar variation 4260986 (VCV004260986.1).

ClinVar aggregate classification (germline): Uncertain significance (1 of 4 stars; one submission).

Conditions:
Inborn genetic diseases. Identifiers: MedGen C0950123, MeSH D030342.

Submission:

Ambry Genetics
Classification: Uncertain significance for Inborn genetic diseases. Last evaluated: 2025-07-25. Review status: criteria provided, single submitter. Criteria: Ambry Variant Classification Scheme 2023. Collection method: clinical testing. Allele origin: germline.
Comment: The p.Q18L variant (also known as c.53A>T), located in coding exon 1 of the G6PC3 gene, results from an A to T substitution at nucleotide position 53. The glutamine at codon 18 is replaced by leucine, an amino acid with dissimilar properties. This amino acid position is conserved. In addition, this alteration is predicted to be tolerated by in silico analysis. Based on the available evidence, the clinical significance of this variant remains unclear.